The following is an entry in ClinVar:

ClinVar aggregate classification (germline): Uncertain significance (0 of 4 stars; one submission).

Conditions:
PHIP-related disorder. Also called: PHIP-related condition; PHIP-related disorders.

Submission:

PreventionGenetics, part of Exact Sciences
Classification: Uncertain significance for PHIP-related condition. Last evaluated: 2024-01-05. Review status: no assertion criteria provided. Collection method: clinical testing. Allele origin: germline.
Comment: The PHIP c.4153_4155delinsATT variant is predicted to result in an in-frame deletion and insertion. To our knowledge, this variant has not been reported in the literature or in a large population database, indicating this variant is rare. At this time, the clinical significance of this variant is uncertain due to the absence of conclusive functional and genetic evidence.

NM_017934.7(PHIP):c.4153_4155delinsATT (p.Val1385Ile)

Genes: IRAK1BP1 (interleukin 1 receptor associated kinase 1 binding protein 1; plus strand), PHIP (PHIP subunit of CUL4-Ring ligase complex; minus strand). Cytogenetic location: 6q14.1.
Variant type: Indel.
Coding change: c.4153_4155delinsATT on transcript NM_017934.7 (MANE Select); coding-DNA positions 4153 to 4155, GTC replaced by ATT.
Protein change: p.Val1385Ile; replaces valine 1385 with isoleucine.
Molecular consequence: missense variant.
Genome position (GRCh38, 1-based): chr6:78,947,674-78,947,676, GAC replaced by AAT on the plus strand (GTC replaced by ATT on the coding strand, the reverse complement: PHIP is on the minus strand). VCF-style: chr6-78947674-GAC-AAT. GRCh37 (hg19) VCF-style: chr6-79657391-GAC-AAT.
Other names: short protein forms V1385I.
Identifiers: ClinVar variation 3349189 (VCV003349189.1).